The following is an entry in ClinVar:

NM_022552.5(DNMT3A):c.2631C>T (p.Val877=)

Gene: DNMT3A (DNA methyltransferase 3 alpha; minus strand). Cytogenetic location: 2p23.3.
Variant type: single nucleotide variant.
Coding change: c.2631C>T on transcript NM_022552.5 (MANE Select); coding-DNA position 2631, C replaced by T.
Protein change: p.Val877=; no amino-acid change (valine 877 retained).
Molecular consequence: synonymous variant. On other transcripts: non-coding transcript variant (1).
Genome position (GRCh38, 1-based): chr2:25,234,387, G>A on the plus strand (C>T on the coding strand, the complement: DNMT3A is on the minus strand). VCF-style: chr2-25234387-G-A. GRCh37 (hg19) VCF-style: chr2-25457256-G-A.
Other names: c.2175C>T, p.Val725= (NM_001320893.1); c.1962C>T, p.Val654= (NM_001375819.1); c.2064C>T, p.Val688= (NM_153759.3); c.2631C>T, p.Val877= (NM_175629.2).
Identifiers: ClinVar variation 3504238 (VCV003504238.2).

ClinVar aggregate classification (germline): Likely benign. Review status: criteria provided, multiple submitters, no conflicts (2 of 4 stars). 2 submissions from 2 submitters: Likely benign (2). Last evaluated 2026-06-29.

Conditions:
Inborn genetic diseases. Identifiers: MedGen C0950123, MeSH D030342.
DNMT3A-related disorder. Also called: DNMT3A-related disorders; DNMT3A-related condition.

Submissions (2):

PreventionGenetics, part of Exact Sciences
Classification: Likely benign for DNMT3A-related condition. Last evaluated: 2026-06-29. Review status: criteria provided, single submitter. Criteria: ACMG Guidelines, 2015. Collection method: clinical testing. Allele origin: germline.
Comment: This variant is classified as likely benign based on ACMG/AMP sequence variant interpretation guidelines (Richards et al. 2015 PMID: 25741868, with internal and published modifications).

Ambry Genetics
Classification: Likely benign for Inborn genetic diseases. Last evaluated: 2024-11-26. Review status: criteria provided, single submitter. Criteria: Ambry Variant Classification Scheme 2023. Collection method: clinical testing. Allele origin: germline.